The following is an entry in ClinVar:

NM_032043.3(BRIP1):c.164C>T (p.Ala55Val)

Gene: BRIP1 (BRCA1 interacting DNA helicase 1; minus strand). Cytogenetic location: 17q23.2.
Variant type: single nucleotide variant.
Coding change: c.164C>T on transcript NM_032043.3 (MANE Select); coding-DNA position 164, C replaced by T.
Protein change: p.Ala55Val; replaces alanine 55 with valine.
Molecular consequence: missense variant.
Genome position (GRCh38, 1-based): chr17:61,859,837, G>A on the plus strand (C>T on the coding strand, the complement: BRIP1 is on the minus strand). VCF-style: chr17-61859837-G-A. GRCh37 (hg19) VCF-style: chr17-59937198-G-A.
Other names: short protein forms A55V.
Identifiers: ClinVar variation 656525 (VCV000656525.8), dbSNP rs1603367684, ClinGen allele CA400485731.
Genomic context (GRCh38, chr17:61,859,837, plus strand): 5'-ATATCAAGCAACTACTTACCACTAAGAGATTGTTGCCATGCTAAAGCAGAACAAAGTAAG[G>A]CTAAGCTTTTTCCACTTCCTGTGGGACTCTCCAACAAACAATGTTGCTTGCTGTTTAATC-3'
Protein context (NP_114432.2, residues 45-65): ESPTGSGKSL[Ala55Val]LLCSALAWQQ

ClinVar aggregate classification (germline): Uncertain significance. Review status: criteria provided, multiple submitters, no conflicts (2 of 4 stars). 2 submissions from 2 submitters: Uncertain significance (2). Last evaluated 2025-09-19.

Conditions:
Fanconi anemia complementation group J. Also called: BRIP1-Related Fanconi Anemia. Identifiers: Orphanet 84, MedGen C1836860, MONDO:0012187, OMIM 609054.
Familial cancer of breast. Also called: hereditary breast carcinoma; Hereditary breast cancer; BREAST CANCER, FAMILIAL. Identifiers: Orphanet 227535, MedGen C0346153, MONDO:0016419, OMIM 114480. Disease mechanism: loss of function.
Hereditary cancer-predisposing syndrome. Also called: Neoplastic Syndromes, Hereditary; Hereditary neoplastic syndrome; Hereditary Cancer Syndrome; Tumor predisposition. Identifiers: Orphanet 140162, MedGen C0027672, MeSH D009386, MONDO:0015356.

Submissions (2):

Ambry Genetics
Classification: Uncertain significance for Hereditary cancer-predisposing syndrome. Last evaluated: 2025-09-19. Review status: criteria provided, single submitter. Criteria: Ambry Variant Classification Scheme 2023. Collection method: clinical testing. Allele origin: germline.
Comment: The p.A55V variant (also known as c.164C>T), located in coding exon 2 of the BRIP1 gene, results from a C to T substitution at nucleotide position 164. The alanine at codon 55 is replaced by valine, an amino acid with similar properties. This amino acid position is highly conserved in available vertebrate species. In addition, this alteration is predicted to be deleterious by in silico analysis. Based on the available evidence, the clinical significance of this variant remains unclear.

Labcorp Genetics (formerly Invitae), Labcorp
Classification: Uncertain significance for Familial cancer of breast; Fanconi anemia complementation group J. Last evaluated: 2021-08-27. Review status: criteria provided, single submitter. Criteria: Invitae Variant Classification Sherloc (09022015). Collection method: clinical testing. Allele origin: germline.
Comment: This sequence change replaces alanine with valine at codon 55 of the BRIP1 protein (p.Ala55Val). The alanine residue is highly conserved and there is a small physicochemical difference between alanine and valine. This variant is not present in population databases (ExAC no frequency). This variant has not been reported in the literature in individuals affected with BRIP1-related conditions. Algorithms developed to predict the effect of missense changes on protein structure and function are either unavailable or do not agree on the potential impact of this missense change (SIFT: "Deleterious"; PolyPhen-2: "Probably Damaging"; Align-GVGD: "Class C0"). In summary, the available evidence is currently insufficient to determine the role of this variant in disease. Therefore, it has been classified as a Variant of Uncertain Significance.